The following is an entry in ClinVar:

NM_198947.4(FAM111B):c.671C>G (p.Ala224Gly)

Gene: FAM111B (FAM111 trypsin like peptidase B; plus strand). Cytogenetic location: 11q12.1.
Variant type: single nucleotide variant.
Coding change: c.671C>G on transcript NM_198947.4 (MANE Select); coding-DNA position 671, C replaced by G.
Protein change: p.Ala224Gly; replaces alanine 224 with glycine.
Molecular consequence: missense variant.
Genome position (GRCh38, 1-based): chr11:59,124,768, C>G. VCF-style: chr11-59124768-C-G. GRCh37 (hg19) VCF-style: chr11-58892241-C-G.
Other names: c.581C>G, p.Ala194Gly (NM_001142704.2, NM_001142703.2); short protein forms A194G, A224G.
Identifiers: ClinVar variation 1030418 (VCV001030418.1), dbSNP rs1859986458, ClinGen allele CA380757587.

ClinVar aggregate classification (germline): Uncertain significance (1 of 4 stars; one submission).

Conditions:
Hereditary sclerosing poikiloderma with tendon and pulmonary involvement. Also called: Poikiloderma, hereditary fibrosing, with tendon contractures, myopathy, and pulmonary fibrosis. Identifiers: Orphanet 221043, MedGen C3810325, MONDO:0014310, OMIM 615704.

Allele frequency attached by ClinVar (database versions not stated): TOPMed below 0.00001.
gnomAD v4.1: 2 of 1,613,652 alleles (0.00012%); highest among the groups gnomAD compares: African/African-American, 0.0027%; no homozygotes.

Submission:

Baylor Genetics
Classification: Uncertain significance for Hereditary sclerosing poikiloderma with tendon and pulmonary involvement. Last evaluated: 2019-10-31. Review status: criteria provided, single submitter. Criteria: ACMG Guidelines, 2015. Collection method: clinical testing. Allele origin: unknown. Affected: yes.
Comment: This variant was determined to be of uncertain significance according to ACMG Guidelines, 2015 [PMID:25741868].